The following is an entry in ClinVar:

NM_032888.4(COL27A1):c.2343C>A (p.Gly781=)

Gene: COL27A1 (collagen type XXVII alpha 1 chain; plus strand). Cytogenetic location: 9q32.
Variant type: single nucleotide variant.
Coding change: c.2343C>A on transcript NM_032888.4 (MANE Select); coding-DNA position 2343, C replaced by A.
Protein change: p.Gly781=; no amino-acid change (glycine 781 retained).
Molecular consequence: synonymous variant.
Genome position (GRCh38, 1-based): chr9:114,211,002, C>A. VCF-style: chr9-114211002-C-A. GRCh37 (hg19) VCF-style: chr9-116973282-C-A.
Other names: c.2343C>A (NM_032888.3).
Identifiers: ClinVar variation 1118077 (VCV001118077.10), dbSNP rs1249796457, ClinGen allele CA466777015.

ClinVar aggregate classification (germline): Likely benign. Review status: criteria provided, single submitter (1 of 4 stars). 2 submissions from 2 submitters: Likely benign (1). 1 of the submissions does not count toward it. Last evaluated 2025-01-23.

Conditions:
COL27A1-related disorder. Also called: COL27A1-related condition.

Allele frequency attached by ClinVar (database versions not stated): gnomAD 0.00001; TOPMed 0.00002.
gnomAD v4.1: 2 of 1,614,100 alleles (0.00012%); highest among the groups gnomAD compares: East Asian, 0.0022%; no homozygotes.

Submissions (2):

Labcorp Genetics (formerly Invitae), Labcorp
Classification: Likely benign. Last evaluated: 2025-01-23. Review status: criteria provided, single submitter. Criteria: Invitae Variant Classification Sherloc (09022015). Collection method: clinical testing. Allele origin: germline.

PreventionGenetics, part of Exact Sciences
Classification: Likely benign for COL27A1-related condition. Last evaluated: 2019-03-27. Review status: no assertion criteria provided. Collection method: clinical testing. Allele origin: germline. Not counted in ClinVar's aggregate classification.
Comment: This variant is classified as likely benign based on ACMG/AMP sequence variant interpretation guidelines (Richards et al. 2015 PMID: 25741868, with internal and published modifications).